The following is an entry in ClinVar:

ClinVar aggregate classification (germline): Likely pathogenic (1 of 4 stars; one submission).

Conditions:
Epidermolysis bullosa dystrophica. Also called: Dystrophic epidermolysis bullosa, Hallopeau-Siemens type (formerly); Dystrophic epidermolysis bullosa. Identifiers: Orphanet 303, MedGen C0079294, MONDO:0006543.

Submission:

Natera, Inc.
Classification: Likely pathogenic for Dystrophic epidermolysis bullosa. Last evaluated: 2024-10-22. Review status: criteria provided, single submitter. Criteria: Natera Variant Classification Schema (03/2026). Collection method: clinical testing. Allele origin: germline.
Comment: The c.4899+1G>C variant in COL7A1 is a canonical splice donor site variant predicted to affect pre-mRNA splicing, which may result in an abnormal transcript and altered protein product. This variant may result in a truncated or dysfunctional protein product. This variant is rare in the general population with a frequency below the threshold expected for the associated phenotype(s). Another variant at this same site results in an alteration predicted to cause a similar molecular effect has been observed in individual(s) with the associated phenotype. Given the available evidence, this variant is classified as Likely Pathogenic.

NM_000094.4(COL7A1):c.4899+1G>C

Gene: COL7A1 (collagen type VII alpha 1 chain; minus strand). Cytogenetic location: 3p21.31.
Variant type: single nucleotide variant.
Coding change: c.4899+1G>C on transcript NM_000094.4 (MANE Select); the canonical splice donor site of the intron after coding-DNA position 4899, G replaced by C.
Molecular consequence: splice donor variant.
Genome position (GRCh38, 1-based): chr3:48,581,259, C>G on the plus strand (G>C on the coding strand, the complement: COL7A1 is on the minus strand). VCF-style: chr3-48581259-C-G. GRCh37 (hg19) VCF-style: chr3-48618692-C-G.
Identifiers: ClinVar variation 4817382 (VCV004817382.1).